The following is an entry in ClinVar:

NM_003803.4(MYOM1):c.4619A>C (p.His1540Pro)

Gene: MYOM1 (myomesin 1; minus strand). Cytogenetic location: 18p11.31.
Variant type: single nucleotide variant.
Coding change: c.4619A>C on transcript NM_003803.4 (MANE Select); coding-DNA position 4619, A replaced by C.
Protein change: p.His1540Pro; replaces histidine 1540 with proline.
Molecular consequence: missense variant.
Genome position (GRCh38, 1-based): chr18:3,079,208, T>G on the plus strand (A>C on the coding strand, the complement: MYOM1 is on the minus strand). VCF-style: chr18-3079208-T-G. GRCh37 (hg19) VCF-style: chr18-3079206-T-G.
Other names: c.4331A>C, p.His1444Pro (NM_019856.2); short protein forms H1444P, H1540P.
Identifiers: ClinVar variation 4115963 (VCV004115963.1).

ClinVar aggregate classification (germline): Uncertain significance (1 of 4 stars; one submission).

Submission:

Ambry Genetics
Classification: Uncertain significance. Last evaluated: 2025-07-24. Review status: criteria provided, single submitter. Criteria: Ambry Variant Classification Scheme 2023. Collection method: clinical testing. Allele origin: germline.
Comment: The p.H1540P variant (also known as c.4619A>C), located in coding exon 33 of the MYOM1 gene, results from an A to C substitution at nucleotide position 4619. The histidine at codon 1540 is replaced by proline, an amino acid with similar properties. This amino acid position is conserved. In addition, the in silico prediction for this alteration is inconclusive. Based on the available evidence, the clinical significance of this variant remains unclear.